The following is an entry in ClinVar:

NM_207111.4(RNF216):c.607G>C (p.Asp203His)

Gene: RNF216 (ring finger protein 216; minus strand). Cytogenetic location: 7p22.1.
Variant type: single nucleotide variant.
Coding change: c.607G>C on transcript NM_207111.4 (MANE Select); coding-DNA position 607, G replaced by C.
Protein change: p.Asp203His; replaces aspartic acid 203 with histidine.
Molecular consequence: missense variant.
Genome position (GRCh38, 1-based): chr7:5,741,410, C>G on the plus strand (G>C on the coding strand, the complement: RNF216 is on the minus strand). VCF-style: chr7-5741410-C-G. GRCh37 (hg19) VCF-style: chr7-5781041-C-G.
Other names: c.436G>C, p.Asp146His (NM_001377156.1, NM_207116.3); short protein forms D146H, D203H.
Identifiers: ClinVar variation 2663322 (VCV002663322.7), dbSNP rs529926878, ClinGen allele CA4148498.

ClinVar aggregate classification (germline): Uncertain significance. Review status: criteria provided, multiple submitters, no conflicts (2 of 4 stars). 2 submissions from 2 submitters: Uncertain significance (2). Last evaluated 2025-10-01.

Allele frequency attached by ClinVar (database versions not stated): TOPMed 0.00002; ExAC 0.00001; gnomAD 0.00001.
gnomAD v4.1: 30 of 1,614,182 alleles (0.0019%); highest among the groups gnomAD compares: Middle Eastern, 0.082%; no homozygotes.

Submissions (2):

CeGaT Center for Human Genetics Tuebingen
Classification: Uncertain significance. Last evaluated: 2025-10-01. Review status: criteria provided, single submitter. Criteria: CeGaT Center For Human Genetics Tuebingen Variant Classification Criteria Version 2. Collection method: clinical testing. Allele origin: germline. Affected: yes. Observed: 1 variant allele.
Comment: RNF216: PM2, BP4

GeneDx
Classification: Uncertain significance. Last evaluated: 2023-04-30. Review status: criteria provided, single submitter. Criteria: GeneDx Variant Classification Process June 2021. Collection method: clinical testing. Allele origin: germline. Affected: yes.
Comment: Not observed at significant frequency in large population cohorts (gnomAD); In silico analysis supports that this missense variant does not alter protein structure/function; Has not been previously published as pathogenic or benign to our knowledge